The following is an entry in ClinVar:

ClinVar aggregate classification (germline): Likely benign (1 of 4 stars; one submission).

Submission:

CeGaT Center for Human Genetics Tuebingen
Classification: Likely benign. Last evaluated: 2023-01-01. Review status: criteria provided, single submitter. Criteria: CeGaT Center For Human Genetics Tuebingen Variant Classification Criteria Version 2. Collection method: clinical testing. Allele origin: germline. Affected: yes. Observed: 1 variant allele.
Comment: TCP10L2: PP2, BP4, BS2

NC_000006.12:g.167180681G>A

Variant type: single nucleotide variant.
Genome position: GRCh38 VCF-style: chr6-167180681-G-A. GRCh37 (hg19) VCF-style: chr6-167594169-G-A.
Identifiers: ClinVar variation 2657127 (VCV002657127.23), dbSNP rs201976311, ClinGen allele CA4096527.